The following is an entry in ClinVar:

ClinVar aggregate classification (germline): Uncertain significance (1 of 4 stars; one submission).

Submission:

Labcorp Genetics (formerly Invitae), Labcorp
Classification: Uncertain significance. Last evaluated: 2021-08-19. Review status: criteria provided, single submitter. Criteria: Invitae Variant Classification Sherloc (09022015). Collection method: clinical testing. Allele origin: germline.
Comment: This sequence change affects codon 352 of the STAG2 mRNA. It is a 'silent' change, meaning that it does not change the encoded amino acid sequence of the STAG2 protein. This variant is not present in population databases (ExAC no frequency). This variant has not been reported in the literature in individuals affected with STAG2-related conditions. Algorithms developed to predict the effect of sequence changes on RNA splicing suggest that this variant may create or strengthen a splice site. In summary, the available evidence is currently insufficient to determine the role of this variant in disease. Therefore, it has been classified as a Variant of Uncertain Significance.

NM_001042750.2(STAG2):c.1056A>G (p.Gln352=)

Gene: STAG2 (STAG2 cohesin complex component; plus strand). Cytogenetic location: Xq25.
Variant type: single nucleotide variant.
Coding change: c.1056A>G on transcript NM_001042750.2 (MANE Select); coding-DNA position 1056, A replaced by G.
Protein change: p.Gln352=; no amino-acid change (glutamine 352 retained).
Molecular consequence: synonymous variant.
Genome position (GRCh38, 1-based): chrX:124,051,159, A>G. VCF-style: chrX-124051159-A-G. GRCh37 (hg19) VCF-style: chrX-123185009-A-G.
Other names: c.1056A>G, p.Gln352= (NM_001042749.2, NM_001042751.2, NM_001282418.2 and 13 more transcripts).
Identifiers: ClinVar variation 1499527 (VCV001499527.1), dbSNP rs1358043757, ClinGen allele CA518177090.